The following is an entry in ClinVar:

NM_007194.4(CHEK2):c.1238T>A (p.Leu413Ter)

Gene: CHEK2 (checkpoint kinase 2; minus strand). Cytogenetic location: 22q12.1.
Variant type: single nucleotide variant.
Coding change: c.1238T>A on transcript NM_007194.4 (MANE Select); coding-DNA position 1238, T replaced by A.
Protein change: p.Leu413Ter; replaces leucine 413 with a stop codon.
Molecular consequence: nonsense.
Genome position (GRCh38, 1-based): chr22:28,695,731, A>T on the plus strand (T>A on the coding strand, the complement: CHEK2 is on the minus strand). VCF-style: chr22-28695731-A-T. GRCh37 (hg19) VCF-style: chr22-29091719-A-T.
Other names: c.1367T>A, p.Leu456Ter (NM_001005735.3); c.575T>A, p.Leu192Ter (NM_001257387.3); c.1037T>A, p.Leu346Ter (NM_001349956.3); c.1151T>A, p.Leu384Ter (NM_145862.3); short protein forms L192*, L346*, L384*, L413*, L456*.
Identifiers: ClinVar variation 1801559 (VCV001801559.15), dbSNP rs1248967885, ClinGen allele CA411096607.
Genomic context (GRCh38, chr22:28,695,731, plus strand): 5'-CCTCCTACCAGTCTGTGCAGCAATGAAAATATTTCTTACCAGATAAAAAGAATAACTCCT[A>T]AACTCCAGCAGTCCACAGCACGGTTATACCCAGCAGTCCCAACAGAAACAAGAACTTCAG-3'

ClinVar aggregate classification (germline): Pathogenic. Review status: criteria provided, multiple submitters, no conflicts (2 of 4 stars). 3 submissions from 3 submitters: Pathogenic (2). 1 of the submissions does not count toward it. Last evaluated 2025-03-20.

Conditions:
Gastric cancer. Also called: Malignant tumor of stomach; Stomach cancer. Identifiers: MedGen C0024623, MeSH D013274, MONDO:0001056, OMIM 613659, HP:0012126.
Hereditary cancer-predisposing syndrome. Also called: Neoplastic Syndromes, Hereditary; Hereditary neoplastic syndrome; Hereditary Cancer Syndrome; Tumor predisposition. Identifiers: Orphanet 140162, MedGen C0027672, MeSH D009386, MONDO:0015356.
Familial cancer of breast. Also called: Hereditary breast cancer; hereditary breast carcinoma; BREAST CANCER, FAMILIAL. Identifiers: Orphanet 227535, MedGen C0346153, MONDO:0016419, OMIM 114480. Disease mechanism: loss of function.

gnomAD v4.1: 1 of 1,613,728 alleles (0.000062%); highest among the groups gnomAD compares: East Asian, 0.0022%; no homozygotes.

Submissions (3):

Ambry Genetics
Classification: Pathogenic for Hereditary cancer-predisposing syndrome. Last evaluated: 2025-03-20. Review status: criteria provided, single submitter. Criteria: Ambry Variant Classification Scheme 2023. Collection method: clinical testing. Allele origin: germline.
Comment: The p.L413* pathogenic mutation (also known as c.1238T>A), located in coding exon 10 of the CHEK2 gene, results from a T to A substitution at nucleotide position 1238. This changes the amino acid from a leucine to a stop codon within coding exon 10. This variant was identified in 4 of 7051 unselected female breast cancer patients and 1 of 7636 unselected prostate cancer patients, but was not identified in unselected male breast cancer patients nor female and male controls of Japanese ancestry (Momozawa Y et al. Nat Commun, 2018 Oct;9:4083; Momozawa Y et al. J Natl Cancer Inst, 2020 Apr;112:369-376). This variant is considered to be rare based on population cohorts in the Genome Aggregation Database (gnomAD). In addition to the clinical data presented in the literature, this alteration is expected to result in loss of function by premature protein truncation or nonsense-mediated mRNA decay. As such, this alteration is interpreted as a disease-causing mutation.

Labcorp Genetics (formerly Invitae), Labcorp
Classification: Pathogenic for Familial cancer of breast. Last evaluated: 2024-08-31. Review status: criteria provided, single submitter. Criteria: Invitae Variant Classification Sherloc (09022015). Collection method: clinical testing. Allele origin: germline.
Comment: This sequence change creates a premature translational stop signal (p.Leu413*) in the CHEK2 gene. It is expected to result in an absent or disrupted protein product. Loss-of-function variants in CHEK2 are known to be pathogenic (PMID: 21876083, 24713400). This variant is not present in population databases (gnomAD no frequency). This premature translational stop signal has been observed in individual(s) with breast cancer (PMID: 30287823). ClinVar contains an entry for this variant (Variation ID: 1801559). For these reasons, this variant has been classified as Pathogenic.

Laboratory for Genotyping Development, RIKEN
Classification: Pathogenic for Gastric cancer. Last evaluated: 2021-07-01. Review status: no assertion criteria provided. Collection method: research. Allele origin: germline. Not counted in ClinVar's aggregate classification.

Literature cited by the submitters: PubMed 30287823 (cited by Ambry Genetics and Labcorp Genetics (formerly Invitae), Labcorp); PubMed 31214711 (cited by Ambry Genetics); PubMed 21876083 (cited by Labcorp Genetics (formerly Invitae), Labcorp); PubMed 24713400 (cited by Labcorp Genetics (formerly Invitae), Labcorp); PubMed 36988593 (cited by Laboratory for Genotyping Development, RIKEN).